The following is an entry in ClinVar:

ClinVar aggregate classification (germline): Uncertain significance (1 of 4 stars; one submission).

Submission:

GeneDx
Classification: Uncertain significance. Last evaluated: 2022-05-23. Review status: criteria provided, single submitter. Criteria: GeneDx Variant Classification Process June 2021. Collection method: clinical testing. Allele origin: germline. Affected: yes.
Comment: Not observed at significant frequency in large population cohorts (gnomAD); In silico analysis supports that this missense variant does not alter protein structure/function; Has not been previously published as pathogenic or benign to our knowledge

NM_020795.4(NLGN2):c.1838C>A (p.Thr613Lys)

Gene: NLGN2 (neuroligin 2; plus strand). Cytogenetic location: 17p13.1.
Variant type: single nucleotide variant.
Coding change: c.1838C>A on transcript NM_020795.4 (MANE Select); coding-DNA position 1838, C replaced by A.
Protein change: p.Thr613Lys; replaces threonine 613 with lysine.
Molecular consequence: missense variant.
Genome position (GRCh38, 1-based): chr17:7,417,129, C>A. VCF-style: chr17-7417129-C-A. GRCh37 (hg19) VCF-style: chr17-7320448-C-A.
Other names: short protein forms T613K.
Identifiers: ClinVar variation 1687708 (VCV001687708.2), dbSNP rs982154241, ClinGen allele CA397831724.